The following is an entry in ClinVar:

ClinVar aggregate classification (germline): Likely benign (0 of 4 stars; one submission).

Conditions:
SMARCC1-related disorder. Also called: SMARCC1-related condition.

Allele frequency attached by ClinVar (database versions not stated): gnomAD exomes 0.00011; TOPMed 0.00023; gnomAD 0.00031; ExAC 0.00049; 1000 Genomes Project 30x 0.00187; 1000 Genomes Project 0.00220.
gnomAD v4.1: 230 of 1,613,908 alleles (0.014%); highest among the groups gnomAD compares: East Asian, 0.39%; 3 homozygotes.

Submission:

PreventionGenetics, part of Exact Sciences
Classification: Likely benign for SMARCC1-related condition. Last evaluated: 2019-06-06. Review status: no assertion criteria provided. Collection method: clinical testing. Allele origin: germline.
Comment: This variant is classified as likely benign based on ACMG/AMP sequence variant interpretation guidelines (Richards et al. 2015 PMID: 25741868, with internal and published modifications).

NM_003074.4(SMARCC1):c.2239G>A (p.Ala747Thr)

Gene: SMARCC1 (SWI/SNF related BAF chromatin remodeling complex subunit C1; minus strand). Cytogenetic location: 3p21.31.
Variant type: single nucleotide variant.
Coding change: c.2239G>A on transcript NM_003074.4 (MANE Select); coding-DNA position 2239, G replaced by A.
Protein change: p.Ala747Thr; replaces alanine 747 with threonine.
Molecular consequence: missense variant.
Genome position (GRCh38, 1-based): chr3:47,661,375, C>T on the plus strand (G>A on the coding strand, the complement: SMARCC1 is on the minus strand). VCF-style: chr3-47661375-C-T. GRCh37 (hg19) VCF-style: chr3-47702865-C-T.
Other names: short protein forms A747T.
Identifiers: ClinVar variation 3044615 (VCV003044615.2), dbSNP rs201462120, ClinGen allele CA2368901.
Genomic context (GRCh38, chr3:47,661,375, plus strand): 5'-GCCCTGTGCCTGCAATGCAGCTGCTCTCCAGACCGTAGGTGGGATCCACTTTCCCAGAGG[C>T]TCGTGCTGCTTCTTGTACTTTCTTGACATGAGCTTCAACCAATTCCAGTGGTACCTCCTC-3'
Protein context (NP_003065.3, residues 737-757): HVKKVQEAAR[Ala747Thr]SGKVDPTYGL